The following is an entry in ClinVar:

NM_000157.3(GBA1):c.[1448T>C];[407C>T]

Variant type: CompoundHeterozygote.
Identifiers: ClinVar variation 424818 (VCV000424818.2).

ClinVar aggregate classification (germline): Likely pathogenic (0 of 4 stars; one submission).

Conditions:
Gaucher disease type I (GD1). Also called: ACID BETA-GLUCOSIDASE DEFICIENCY; GAUCHER DISEASE, NONCEREBRAL JUVENILE; GBA DEFICIENCY; GD I; GLUCOCEREBROSIDASE DEFICIENCY; Gaucher's disease, type 1. Identifiers: Orphanet 355, Orphanet 77259, MedGen C1961835, MONDO:0009265, OMIM 230800.

Submission:

Foundation for Research in Genetics and Endocrinology, FRIGE's Institute of Human Genetics
Classification: Likely pathogenic for Gaucher disease type I. Last evaluated: 2015-09-25. Review status: no assertion criteria provided. Collection method: research. Allele origin: germline. Inheritance: Autosomal recessive inheritance. Affected: yes. Observed: 1 compound heterozygote.
Comment: Variant c.407C>T/p.S136L (ENST00000368373) was found to be pathogenic by online software like Mutation Taster and Polyphen-2.